The following is an entry in ClinVar:

NM_001042492.3(NF1):c.5096G>C (p.Gly1699Ala)

Gene: NF1 (neurofibromin 1; plus strand). Cytogenetic location: 17q11.2.
Variant type: single nucleotide variant.
Coding change: c.5096G>C on transcript NM_001042492.3 (MANE Select); coding-DNA position 5096, G replaced by C.
Protein change: p.Gly1699Ala; replaces glycine 1699 with alanine.
Molecular consequence: missense variant.
Genome position (GRCh38, 1-based): chr17:31,326,080, G>C. VCF-style: chr17-31326080-G-C. GRCh37 (hg19) VCF-style: chr17-29653098-G-C.
Other names: c.5033G>C, p.Gly1678Ala (NM_000267.4); short protein forms G1678A, G1699A.
Identifiers: ClinVar variation 1362723 (VCV001362723.8), dbSNP rs2069333669, ClinGen allele CA399007567.

ClinVar aggregate classification (germline): Uncertain significance (1 of 4 stars; one submission).

Conditions:
Neurofibromatosis, type 1 (NF1). Also called: NEUROFIBROMATOSIS, TYPE I, SOMATIC; VON RECKLINGHAUSEN DISEASE; Neurofibromatosis, type I; Peripheral type neurofibromatosis. Identifiers: Orphanet 636, MedGen C0027831, MONDO:0018975, OMIM 162200. Disease mechanism: loss of function.

Submission:

Labcorp Genetics (formerly Invitae), Labcorp
Classification: Uncertain significance for Neurofibromatosis, type 1. Last evaluated: 2021-06-20. Review status: criteria provided, single submitter. Criteria: Invitae Variant Classification Sherloc (09022015). Collection method: clinical testing. Allele origin: germline.
Comment: In summary, the available evidence is currently insufficient to determine the role of this variant in disease. Therefore, it has been classified as a Variant of Uncertain Significance. Advanced modeling of protein sequence and biophysical properties (such as structural, functional, and spatial information, amino acid conservation, physicochemical variation, residue mobility, and thermodynamic stability) performed at Invitae indicates that this missense variant is not expected to disrupt NF1 protein function. This variant has not been reported in the literature in individuals with NF1-related conditions. This variant is not present in population databases (ExAC no frequency). This sequence change replaces glycine with alanine at codon 1678 of the NF1 protein (p.Gly1678Ala). The glycine residue is moderately conserved and there is a small physicochemical difference between glycine and alanine.